The following is an entry in ClinVar:

NM_001101426.4(CRPPA):c.773C>A (p.Ser258Ter)

Gene: CRPPA (CDP-L-ribitol pyrophosphorylase A; minus strand). Cytogenetic location: 7p21.2.
Variant type: single nucleotide variant.
Coding change: c.773C>A on transcript NM_001101426.4 (MANE Select); coding-DNA position 773, C replaced by A.
Protein change: p.Ser258Ter; replaces serine 258 with a stop codon.
Molecular consequence: nonsense. On other transcripts: intron variant (1).
Genome position (GRCh38, 1-based): chr7:16,308,539, G>T on the plus strand (C>A on the coding strand, the complement: CRPPA is on the minus strand). VCF-style: chr7-16308539-G-T. GRCh37 (hg19) VCF-style: chr7-16348164-G-T.
Other names: c.623C>A, p.Ser208Ter (NM_001101417.4); c.685-7073C>A (NM_001368197.1); short protein forms S258*, S208*.
Identifiers: ClinVar variation 656769 (VCV000656769.9), dbSNP rs1466219701, ClinGen allele CA367001588.
Genomic context (GRCh38, chr7:16,308,539, plus strand): 5'-TGAAAGCACAGAAAAGAACCCAAGCAAGGTATCATCCCTCTTACCTTCCAGAGGTCAGGT[G>T]ATCCTTCTACAAGTTTGGCTTTAGTGCAACAGTATTTTAGGGCCAATTGCAAACACTCAG-3'

ClinVar aggregate classification (germline): Pathogenic (1 of 4 stars; one submission).

Conditions:
Muscular dystrophy-dystroglycanopathy (congenital with brain and eye anomalies), type A, 7. Also called: WALKER-WARBURG SYNDROME OR MUSCLE-EYE-BRAIN DISEASE, ISPD-RELATED; Congenital muscular dystrophy-dystroglycanopathy with brain and eye anomalies, type A7. Identifiers: Orphanet 899, MedGen C3553330, MONDO:0013835, OMIM 614643.
Autosomal recessive limb-girdle muscular dystrophy type 2U. Also called: Muscular dystrophy-dystroglycanopathy (limb-girdle), type c, 7; MUSCULAR DYSTROPHY, LIMB-GIRDLE, TYPE 2U. Identifiers: Orphanet 352479, MedGen C5190987, MONDO:0014474, OMIM 616052.

Allele frequency attached by ClinVar (database versions not stated): TOPMed below 0.00001.

Submission:

Labcorp Genetics (formerly Invitae), Labcorp
Classification: Pathogenic for Muscular dystrophy-dystroglycanopathy (congenital with brain and eye anomalies), type A, 7; Autosomal recessive limb-girdle muscular dystrophy type 2U. Last evaluated: 2022-02-04. Review status: criteria provided, single submitter. Criteria: Invitae Variant Classification Sherloc (09022015). Collection method: clinical testing. Allele origin: germline.
Comment: For these reasons, this variant has been classified as Pathogenic. ClinVar contains an entry for this variant (Variation ID: 656769). This premature translational stop signal has been observed in individual(s) with cobblestone lissencephaly (PMID: 23217329). This variant is not present in population databases (gnomAD no frequency). This sequence change creates a premature translational stop signal (p.Ser258*) in the ISPD gene. It is expected to result in an absent or disrupted protein product. Loss-of-function variants in ISPD are known to be pathogenic (PMID: 23288328).

Literature cited by the submitters: PubMed 23217329; PubMed 23288328.